The following is an entry in ClinVar:

ClinVar aggregate classification (germline): Uncertain significance. Review status: criteria provided, multiple submitters, no conflicts (2 of 4 stars). 2 submissions from 2 submitters: Uncertain significance (2). Last evaluated 2025-09-02.

Submissions (2):

Labcorp Genetics (formerly Invitae), Labcorp
Classification: Uncertain significance. Last evaluated: 2025-09-02. Review status: criteria provided, single submitter. Criteria: Invitae Variant Classification Sherloc (09022015). Collection method: clinical testing. Allele origin: germline.
Comment: This sequence change replaces alanine, which is neutral and non-polar, with glycine, which is neutral and non-polar, at codon 10 of the CLPP protein (p.Ala10Gly). This variant is not present in population databases (gnomAD no frequency). This variant has not been reported in the literature in individuals affected with CLPP-related conditions. ClinVar contains an entry for this variant (Variation ID: 1803648). An algorithm developed to predict the effect of missense changes on protein structure and function outputs the following: PolyPhen-2: "Benign". The glycine amino acid residue is found in multiple mammalian species, which suggests that this missense change does not adversely affect protein function. In summary, the available evidence is currently insufficient to determine the role of this variant in disease. Therefore, it has been classified as a Variant of Uncertain Significance.

GeneDx
Classification: Uncertain significance. Last evaluated: 2022-06-10. Review status: criteria provided, single submitter. Criteria: GeneDx Variant Classification Process June 2021. Collection method: clinical testing. Allele origin: germline. Affected: yes.
Comment: Not observed at significant frequency in large population cohorts (gnomAD); In silico analysis supports that this missense variant does not alter protein structure/function; Has not been previously published as pathogenic or benign to our knowledge

NM_006012.4(CLPP):c.29C>G (p.Ala10Gly)

Gene: CLPP (caseinolytic mitochondrial matrix peptidase proteolytic subunit; plus strand). Cytogenetic location: 19p13.3.
Variant type: single nucleotide variant.
Coding change: c.29C>G on transcript NM_006012.4 (MANE Select); coding-DNA position 29, C replaced by G.
Protein change: p.Ala10Gly; replaces alanine 10 with glycine.
Molecular consequence: missense variant.
Genome position (GRCh38, 1-based): chr19:6,361,603, C>G. VCF-style: chr19-6361603-C-G. GRCh37 (hg19) VCF-style: chr19-6361614-C-G.
Other names: short protein forms A10G.
Identifiers: ClinVar variation 1803648 (VCV001803648.4), dbSNP rs2512441032, ClinGen allele CA403585953.